The following is an entry in ClinVar:

ClinVar aggregate classification (germline): Uncertain significance (1 of 4 stars; one submission).

Conditions:
Familial cold autoinflammatory syndrome 3 (FCAS3). Also called: ANTIBODY DEFICIENCY AND IMMUNE DYSREGULATION, PLCG2-ASSOCIATED; FAMILIAL ATYPICAL COLD URTICARIA. Identifiers: Orphanet 300359, MedGen C3280914, MONDO:0013766, OMIM 614468.

Submission:

Labcorp Genetics (formerly Invitae), Labcorp
Classification: Uncertain significance for Familial cold autoinflammatory syndrome 3. Last evaluated: 2024-05-23. Review status: criteria provided, single submitter. Criteria: Invitae Variant Classification Sherloc (09022015). Collection method: clinical testing. Allele origin: germline.
Comment: This sequence change replaces aspartic acid, which is acidic and polar, with glutamic acid, which is acidic and polar, at codon 384 of the PLCG2 protein (p.Asp384Glu). This variant is not present in population databases (gnomAD no frequency). This variant has not been reported in the literature in individuals affected with PLCG2-related conditions. An algorithm developed to predict the effect of missense changes on protein structure and function (PolyPhen-2) suggests that this variant is likely to be disruptive. In summary, the available evidence is currently insufficient to determine the role of this variant in disease. Therefore, it has been classified as a Variant of Uncertain Significance.

NM_002661.5(PLCG2):c.1152C>A (p.Asp384Glu)

Gene: PLCG2 (phospholipase C gamma 2; plus strand). Cytogenetic location: 16q23.3.
Variant type: single nucleotide variant.
Coding change: c.1152C>A on transcript NM_002661.5 (MANE Select); coding-DNA position 1152, C replaced by A.
Protein change: p.Asp384Glu; replaces aspartic acid 384 with glutamic acid.
Molecular consequence: missense variant.
Genome position (GRCh38, 1-based): chr16:81,895,886, C>A. VCF-style: chr16-81895886-C-A. GRCh37 (hg19) VCF-style: chr16-81929491-C-A.
Other names: c.1152C>A, p.Asp384Glu (NM_001425749.1, NM_001425750.1, NM_001425751.1); short protein forms D384E.
Identifiers: ClinVar variation 3624700 (VCV003624700.2).
Genomic context (GRCh38, chr16:81,895,886, plus strand): 5'-CGATGGGAAGCCGGTCATCTACCATGGCTGGACGCGGACTACCAAGATCAAGTTTGACGA[C>A]GTCGTGCAGGCCATCAAAGACCACGCCTTTGTTACCTCGAGGTCAGTTGGCTGATTTCTG-3'
Protein context (NP_002652.2, residues 374-394): WTRTTKIKFD[Asp384Glu]VVQAIKDHAF